The following is an entry in ClinVar:

NM_004046.6(ATP5F1A):c.172C>T (p.Arg58Cys)

Gene: ATP5F1A (ATP synthase F1 subunit alpha; minus strand). Cytogenetic location: 18q21.1.
Variant type: single nucleotide variant.
Coding change: c.172C>T on transcript NM_004046.6 (MANE Select); coding-DNA position 172, C replaced by T.
Protein change: p.Arg58Cys; replaces arginine 58 with cysteine.
Molecular consequence: missense variant.
Genome position (GRCh38, 1-based): chr18:46,091,819, G>A on the plus strand (C>T on the coding strand, the complement: ATP5F1A is on the minus strand). VCF-style: chr18-46091819-G-A. GRCh37 (hg19) VCF-style: chr18-43671785-G-A.
Other names: c.172C>T (NM_001001937.1); c.22C>T, p.Arg8Cys (NM_001001935.3, NM_001257335.2); c.172C>T, p.Arg58Cys (NM_001001937.2, NM_001257334.2); short protein forms R8C, R58C.
Identifiers: ClinVar variation 1900901 (VCV001900901.9), dbSNP rs750527887, ClinGen allele CA8950871.

ClinVar aggregate classification (germline): Uncertain significance. Review status: criteria provided, multiple submitters, no conflicts (2 of 4 stars). 3 submissions from 3 submitters: Uncertain significance (3). Last evaluated 2025-07-08.

Conditions:
Inborn genetic diseases. Identifiers: MedGen C0950123, MeSH D030342.

Allele frequency attached by ClinVar (database versions not stated): ExAC 0.00003; gnomAD 0.00005; TOPMed 0.00005; gnomAD exomes 0.00007.

Submissions (3):

GeneDx
Classification: Uncertain significance. Last evaluated: 2025-07-08. Review status: criteria provided, single submitter. Criteria: GeneDx Variant Classification Process June 2021. Collection method: clinical testing. Allele origin: germline. Affected: yes.
Comment: Has not been previously published as pathogenic or benign to our knowledge; In silico analysis supports that this missense variant has a deleterious effect on protein structure/function

Ambry Genetics
Classification: Uncertain significance for Inborn genetic diseases. Last evaluated: 2023-06-16. Review status: criteria provided, single submitter. Criteria: Ambry Variant Classification Scheme 2023. Collection method: clinical testing. Allele origin: germline.

Labcorp Genetics (formerly Invitae), Labcorp
Classification: Uncertain significance. Last evaluated: 2022-06-27. Review status: criteria provided, single submitter. Criteria: Invitae Variant Classification Sherloc (09022015). Collection method: clinical testing. Allele origin: germline.
Comment: In summary, the available evidence is currently insufficient to determine the role of this variant in disease. Therefore, it has been classified as a Variant of Uncertain Significance. Algorithms developed to predict the effect of missense changes on protein structure and function are either unavailable or do not agree on the potential impact of this missense change (SIFT: "Tolerated"; PolyPhen-2: "Possibly Damaging"; Align-GVGD: "Class C0"). This variant has not been reported in the literature in individuals affected with ATP5A1-related conditions. This variant is present in population databases (rs750527887, gnomAD 0.006%). This sequence change replaces arginine, which is basic and polar, with cysteine, which is neutral and slightly polar, at codon 58 of the ATP5A1 protein (p.Arg58Cys).